The following is an entry in ClinVar:

ClinVar aggregate classification (germline): Uncertain significance (1 of 4 stars; one submission).

Conditions:
Idiopathic generalized epilepsy. Also called: EIG; Generalised epilepsy. Identifiers: MedGen C0270850, MONDO:0005579, OMIM 600669.

Allele frequency attached by ClinVar (database versions not stated): TOPMed 0.00006.

Submission:

Labcorp Genetics (formerly Invitae), Labcorp
Classification: Uncertain significance for Idiopathic generalized epilepsy. Last evaluated: 2025-01-27. Review status: criteria provided, single submitter. Criteria: Invitae Variant Classification Sherloc (09022015). Collection method: clinical testing. Allele origin: germline.
Comment: This sequence change replaces valine, which is neutral and non-polar, with isoleucine, which is neutral and non-polar, at codon 375 of the RBFOX1 protein (p.Val375Ile). This variant is present in population databases (rs138704494, gnomAD 0.03%). This variant has not been reported in the literature in individuals affected with RBFOX1-related conditions. ClinVar contains an entry for this variant (Variation ID: 1018052). An algorithm developed to predict the effect of missense changes on protein structure and function (PolyPhen-2) suggests that this variant is likely to be tolerated. In summary, the available evidence is currently insufficient to determine the role of this variant in disease. Therefore, it has been classified as a Variant of Uncertain Significance.

NM_018723.4(RBFOX1):c.1060G>A (p.Val354Ile)

Genes: RBFOX1 (RNA binding fox-1 homolog 1; plus strand), LOC126862279 (MED14-independent group 3 enhancer GRCh37_chr16:7758954-7760153; plus strand). Cytogenetic location: 16p13.3.
Variant type: single nucleotide variant.
Coding change: c.1060G>A on transcript NM_018723.4 (MANE Select); coding-DNA position 1060, G replaced by A.
Protein change: p.Val354Ile; replaces valine 354 with isoleucine.
Molecular consequence: missense variant. On other transcripts: synonymous variant (2).
Genome position (GRCh38, 1-based): chr16:7,709,120, G>A. VCF-style: chr16-7709120-G-A. GRCh37 (hg19) VCF-style: chr16-7759122-G-A.
Other names: c.979G>A, p.Val327Ile (NM_001142333.2); c.1060G>A, p.Val354Ile (NM_001142334.2); c.1189G>A, p.Val397Ile (NM_001308117.1); c.1113G>A, p.Ala371= (NM_001364800.2); c.1123G>A, p.Val375Ile (NM_145891.3, NM_145892.3); c.1176G>A, p.Ala392= (NM_145893.3); short protein forms V327I, V354I, V375I, V397I.
Identifiers: ClinVar variation 1018052 (VCV001018052.7), dbSNP rs138704494, ClinGen allele CA7891970.